The following is an entry in ClinVar:

NM_003923.3(FOXH1):c.470C>G (p.Pro157Arg)

Gene: FOXH1 (forkhead box H1; minus strand). Cytogenetic location: 8q24.3.
Variant type: single nucleotide variant.
Coding change: c.470C>G on transcript NM_003923.3 (MANE Select); coding-DNA position 470, C replaced by G.
Protein change: p.Pro157Arg; replaces proline 157 with arginine.
Molecular consequence: missense variant.
Genome position (GRCh38, 1-based): chr8:144,474,866, G>C on the plus strand (C>G on the coding strand, the complement: FOXH1 is on the minus strand). VCF-style: chr8-144474866-G-C. GRCh37 (hg19) VCF-style: chr8-145700249-G-C.
Other names: short protein forms P157R.
Identifiers: ClinVar variation 2148903 (VCV002148903.4), dbSNP rs758152098, ClinGen allele CA4945527.

ClinVar aggregate classification (germline): Uncertain significance (1 of 4 stars; one submission).

Conditions:
Holoprosencephaly sequence (HPE). Also called: Holoprosencephaly. Identifiers: Orphanet 2162, MedGen C0079541, MONDO:0016296, HP:0001360.

Allele frequency attached by ClinVar (database versions not stated): gnomAD exomes below 0.00001; ExAC 0.00002; gnomAD 0.00003; TOPMed 0.00004; 1000 Genomes Project 30x 0.00031.
gnomAD v4.1: 13 of 1,611,488 alleles (0.00081%); highest among the groups gnomAD compares: African/African-American, 0.013%; no homozygotes.

Submission:

Labcorp Genetics (formerly Invitae), Labcorp
Classification: Uncertain significance for Holoprosencephaly sequence. Last evaluated: 2024-04-30. Review status: criteria provided, single submitter. Criteria: Invitae Variant Classification Sherloc (09022015). Collection method: clinical testing. Allele origin: germline.
Comment: This sequence change replaces proline, which is neutral and non-polar, with arginine, which is basic and polar, at codon 157 of the FOXH1 protein (p.Pro157Arg). This variant is present in population databases (rs758152098, gnomAD 0.01%). This variant has not been reported in the literature in individuals affected with FOXH1-related conditions. ClinVar contains an entry for this variant (Variation ID: 2148903). Advanced modeling of protein sequence and biophysical properties (such as structural, functional, and spatial information, amino acid conservation, physicochemical variation, residue mobility, and thermodynamic stability) performed at Invitae indicates that this missense variant is not expected to disrupt FOXH1 protein function with a negative predictive value of 80%. In summary, the available evidence is currently insufficient to determine the role of this variant in disease. Therefore, it has been classified as a Variant of Uncertain Significance.